The following is an entry in ClinVar:

ClinVar aggregate classification (germline): Benign. Review status: criteria provided, single submitter (1 of 4 stars). 2 submissions from 2 submitters: Benign (1). 1 of the submissions does not count toward it. Last evaluated 2025-10-23.

Conditions:
EP300-related disorder. Also called: EP300-related condition; EP300-related disorders.
Rubinstein-Taybi syndrome due to EP300 haploinsufficiency. Also called: EP300-Related Rubinstein-Taybi Syndrome; RUBINSTEIN-TAYBI SYNDROME 2. Identifiers: Orphanet 353284, Orphanet 783, MedGen C3150941, MONDO:0013364, OMIM 613684.

gnomAD v4.1: 16 of 1,607,854 alleles (0.001%); highest among the groups gnomAD compares: African/African-American, 0.0054%; no homozygotes.

Submissions (2):

Labcorp Genetics (formerly Invitae), Labcorp
Classification: Benign for Rubinstein-Taybi syndrome due to EP300 haploinsufficiency. Last evaluated: 2025-10-23. Review status: criteria provided, single submitter. Criteria: Invitae Variant Classification Sherloc (09022015). Collection method: clinical testing. Allele origin: germline.

PreventionGenetics, part of Exact Sciences
Classification: Likely benign for EP300-related condition. Last evaluated: 2023-12-26. Review status: no assertion criteria provided. Collection method: clinical testing. Allele origin: germline. Not counted in ClinVar's aggregate classification.
Comment: This variant is classified as likely benign based on ACMG/AMP sequence variant interpretation guidelines (Richards et al. 2015 PMID: 25741868, with internal and published modifications).

NM_001429.4(EP300):c.4194C>T (p.Leu1398=)

Gene: EP300 (EP300 lysine acetyltransferase; plus strand). Cytogenetic location: 22q13.2.
Variant type: single nucleotide variant.
Coding change: c.4194C>T on transcript NM_001429.4 (MANE Select); coding-DNA position 4194, C replaced by T.
Protein change: p.Leu1398=; no amino-acid change (leucine 1398 retained).
Molecular consequence: synonymous variant.
Genome position (GRCh38, 1-based): chr22:41,169,524, C>T. VCF-style: chr22-41169524-C-T. GRCh37 (hg19) VCF-style: chr22-41565528-C-T.
Other names: c.4116C>T, p.Leu1372= (NM_001362843.2).
Identifiers: ClinVar variation 3350297 (VCV003350297.2).